The following is an entry in ClinVar:

ClinVar aggregate classification (germline): Uncertain significance (1 of 4 stars; one submission).

Conditions:
Ullrich congenital muscular dystrophy 2 (UCMD2). Identifiers: Orphanet 75840, MedGen C4225314, MONDO:0014654, OMIM 616470.
Bethlem myopathy 2 (BTHLM2). Identifiers: Orphanet 536516, Orphanet 610, MedGen C4225313, MONDO:0034022, OMIM 616471.

Submission:

Labcorp Genetics (formerly Invitae), Labcorp
Classification: Uncertain significance for Bethlem myopathy 2; Ullrich congenital muscular dystrophy 2. Last evaluated: 2022-11-22. Review status: criteria provided, single submitter. Criteria: Invitae Variant Classification Sherloc (09022015). Collection method: clinical testing. Allele origin: germline.
Comment: Algorithms developed to predict the effect of missense changes on protein structure and function are either unavailable or do not agree on the potential impact of this missense change (SIFT: "Deleterious"; PolyPhen-2: "Probably Damaging"; Align-GVGD: "Class C0"). This variant has not been reported in the literature in individuals affected with COL12A1-related conditions. This variant is not present in population databases (gnomAD no frequency). This sequence change replaces threonine, which is neutral and polar, with lysine, which is basic and polar, at codon 111 of the COL12A1 protein (p.Thr111Lys). In summary, the available evidence is currently insufficient to determine the role of this variant in disease. Therefore, it has been classified as a Variant of Uncertain Significance.

NM_004370.6(COL12A1):c.332C>A (p.Thr111Lys)

Gene: COL12A1 (collagen type XII alpha 1 chain; minus strand). Cytogenetic location: 6q13.
Variant type: single nucleotide variant.
Coding change: c.332C>A on transcript NM_004370.6 (MANE Select); coding-DNA position 332, C replaced by A.
Protein change: p.Thr111Lys; replaces threonine 111 with lysine.
Molecular consequence: missense variant. On other transcripts: intron variant (1).
Genome position (GRCh38, 1-based): chr6:75,192,214, G>T on the plus strand (C>A on the coding strand, the complement: COL12A1 is on the minus strand). VCF-style: chr6-75192214-G-T. GRCh37 (hg19) VCF-style: chr6-75901930-G-T.
Other names: c.73+10506C>A (NM_080645.3); short protein forms T111K.
Identifiers: ClinVar variation 1994874 (VCV001994874.4), dbSNP rs2533616426, ClinGen allele CA364730724.